The following is an entry in ClinVar:

ClinVar aggregate classification (germline): Uncertain significance (1 of 4 stars; one submission).

Conditions:
Shprintzen-Goldberg syndrome (SGS). Also called: SHPRINTZEN-GOLDBERG CRANIOSYNOSTOSIS SYNDROME; CRANIOSYNOSTOSIS WITH ARACHNODACTYLY AND ABDOMINAL HERNIAS; Marfanoid disorder with craniosynostosis type 1; Marfanoid craniosynostosis syndrome; Shprintzen-Goldberg marfanoid syndrome. Identifiers: Orphanet 2462, MedGen C1321551, MONDO:0008426, OMIM 182212.

Submission:

Labcorp Genetics (formerly Invitae), Labcorp
Classification: Uncertain significance for Shprintzen-Goldberg syndrome. Last evaluated: 2022-07-06. Review status: criteria provided, single submitter. Criteria: Invitae Variant Classification Sherloc (09022015). Collection method: clinical testing. Allele origin: germline.
Comment: ClinVar contains an entry for this variant (Variation ID: 532215). This variant has not been reported in the literature in individuals affected with SKI-related conditions. This variant is not present in population databases (gnomAD no frequency). This sequence change replaces leucine, which is neutral and non-polar, with valine, which is neutral and non-polar, at codon 698 of the SKI protein (p.Leu698Val). Algorithms developed to predict the effect of missense changes on protein structure and function are either unavailable or do not agree on the potential impact of this missense change (SIFT: "Deleterious"; PolyPhen-2: "Probably Damaging"; Align-GVGD: "Class C0"). In summary, the available evidence is currently insufficient to determine the role of this variant in disease. Therefore, it has been classified as a Variant of Uncertain Significance.

NM_003036.4(SKI):c.2092C>G (p.Leu698Val)

Gene: SKI (SKI proto-oncogene; plus strand). Cytogenetic location: 1p36.32.
Variant type: single nucleotide variant.
Coding change: c.2092C>G on transcript NM_003036.4 (MANE Select); coding-DNA position 2092, C replaced by G.
Protein change: p.Leu698Val; replaces leucine 698 with valine.
Molecular consequence: missense variant.
Genome position (GRCh38, 1-based): chr1:2,306,670, C>G. VCF-style: chr1-2306670-C-G. GRCh37 (hg19) VCF-style: chr1-2238109-C-G.
Other names: short protein forms L698V.
Identifiers: ClinVar variation 532215 (VCV000532215.10), dbSNP rs766929334, ClinGen allele CA337959719.